The following is an entry in ClinVar:

ClinVar aggregate classification (germline): Uncertain significance (1 of 4 stars; one submission).

Conditions:
BUB1-related disorder. Also called: BUB1-related condition.

Submission:

PreventionGenetics, part of Exact Sciences
Classification: Uncertain significance for BUB1-related condition. Last evaluated: 2023-07-27. Review status: criteria provided, single submitter. Criteria: ACMG Guidelines, 2015. Collection method: clinical testing. Allele origin: germline.
Comment: The BUB1 c.180_182delGAA variant is predicted to result in an in-frame deletion (p.Lys61del). To our knowledge, this variant has not been reported in the literature or in a large population database, indicating this variant is rare. At this time, the clinical significance of this variant is uncertain due to the absence of conclusive functional and genetic evidence.

NM_004336.5(BUB1):c.177GAA[1] (p.Lys61del)

Gene: BUB1 (BUB1 mitotic checkpoint serine/threonine kinase; minus strand). Cytogenetic location: 2q13.
Variant type: Microsatellite.
Coding change: c.177GAA[1] on transcript NM_004336.5 (MANE Select); one copy of the 3-base unit GAA starting at c.177; the reference has two copies in a row; one copy, 3 bases deleted.
Protein change: p.Lys61del; deletes lysine 61.
Molecular consequence: inframe deletion.
Genome position (GRCh38, 1-based): chr2:110,674,129-110,674,131, TTC deleted on the plus strand (GAA on the coding strand, the reverse complement: BUB1 is on the minus strand); deleting any 3 consecutive bases within chr2:110,674,129-110,674,136 gives the same sequence; the position shown is the placement nearest the transcript's 3' end. VCF-style (leftmost placement, unchanged base first): chr2-110674128-TTTC-T. GRCh37 (hg19) VCF-style: chr2-111431705-TTTC-T.
Other names: c.117GAA[1], p.Lys41del (NM_001278616.2); c.177GAA[1], p.Lys61del (NM_001278617.2); short protein forms K41del, K61del.
Identifiers: ClinVar variation 2628546 (VCV002628546.1), dbSNP rs1690507113, ClinGen allele CA1034956378.